The following is an entry in ClinVar:

NM_152281.3(GORAB):c.785G>A (p.Arg262Gln)

Gene: GORAB (golgin, RAB6 interacting; plus strand). Cytogenetic location: 1q24.2.
Variant type: single nucleotide variant.
Coding change: c.785G>A on transcript NM_152281.3 (MANE Select); coding-DNA position 785, G replaced by A.
Protein change: p.Arg262Gln; replaces arginine 262 with glutamine.
Molecular consequence: missense variant. On other transcripts: non-coding transcript variant (1).
Genome position (GRCh38, 1-based): chr1:170,552,137, G>A. VCF-style: chr1-170552137-G-A. GRCh37 (hg19) VCF-style: chr1-170521278-G-A.
Other names: c.320G>A, p.Arg107Gln (NM_001320252.2); short protein forms R262Q, R107Q.
Identifiers: ClinVar variation 1032478 (VCV001032478.1), dbSNP rs145193965, ClinGen allele CA1239240.

ClinVar aggregate classification (germline): Uncertain significance (1 of 4 stars; one submission).

Conditions:
Geroderma osteodysplastica (GO). Also called: WALT DISNEY DWARFISM; Geroderma osteodysplasticum. Identifiers: Orphanet 2078, MedGen C0432255, MONDO:0009271, OMIM 231070.

Allele frequency attached by ClinVar (database versions not stated): ExAC 0.00001; gnomAD 0.00001; gnomAD exomes 0.00001; TOPMed 0.00002; ESP Exome Variant Server 0.00008.

Submission:

Baylor Genetics
Classification: Uncertain significance for Geroderma osteodysplastica. Last evaluated: 2018-02-09. Review status: criteria provided, single submitter. Criteria: ACMG Guidelines, 2015. Collection method: clinical testing. Allele origin: maternal. Affected: yes.
Comment: This variant was determined to be of uncertain significance according to ACMG Guidelines, 2015 [PMID:25741868].